The following is an entry in ClinVar:

ClinVar aggregate classification (germline): Conflicting classifications of pathogenicity. Review status: criteria provided, conflicting classifications (1 of 4 stars). 11 submissions from 11 submitters: Uncertain significance (4); Likely benign (4). 3 of the submissions do not count toward it. Last evaluated 2026-08-30.

Conditions:
USH2A-related disorder. Also called: USH2A-related disorders; USH2A-related condition. Identifiers: MedGen CN239332.
Usher syndrome type 2A. Also called: USHER SYNDROME, TYPE IIA; RETINAL DISEASE IN USHER SYNDROME TYPE IIA, MODIFIER OF. Identifiers: Orphanet 231178, Orphanet 886, MedGen C1848634, MONDO:0010169, OMIM 276901.

Allele frequency attached by ClinVar (database versions not stated): 1000 Genomes Project 30x 0.00016; 1000 Genomes Project 0.00020; ExAC 0.00046; gnomAD exomes 0.00049 and 0.00085; gnomAD 0.00052 and 0.00054; TOPMed 0.00057; ESP Exome Variant Server 0.00092.

Submissions (11):

PreventionGenetics, part of Exact Sciences
Classification: Uncertain significance for USH2A-related condition. Last evaluated: 2026-08-30. Review status: criteria provided, single submitter. Criteria: ACMG Guidelines, 2015. Collection method: clinical testing. Allele origin: germline.
Comment: The USH2A c.7301-6C>T variant is predicted to interfere with splicing. This variant is predicted to impair splicing based on one available splicing algorithm (SpliceAI, Jaganathan et al. 2019. PubMed ID: 30661751). To our knowledge, this variant has not been reported in the literature. This variant is present in 0.090% of alleles in individuals of European (Non-Finnish) descent in gnomAD, which may be too common to be an unreported cause of disease. Although we suspect that this variant may be benign, at this time, the clinical significance of this variant is uncertain due to the absence of conclusive functional and genetic evidence.

CeGaT Center for Human Genetics Tuebingen
Classification: Uncertain significance. Last evaluated: 2026-06-01. Review status: criteria provided, single submitter. Criteria: CeGaT Center For Human Genetics Tuebingen Variant Classification Criteria Version 2. Collection method: clinical testing. Allele origin: germline. Affected: yes. Observed: 7 variant alleles.
Comment: USH2A: PM2, BP4

Labcorp Genetics (formerly Invitae), Labcorp
Classification: Likely benign. Last evaluated: 2026-01-24. Review status: criteria provided, single submitter. Criteria: Invitae Variant Classification Sherloc (09022015). Collection method: clinical testing. Allele origin: germline.

Blueprint Genetics
Classification: Likely benign. Last evaluated: 2024-11-07. Review status: criteria provided, single submitter. Criteria: ACMG Guidelines, 2015. Collection method: clinical testing. Allele origin: germline.

GeneDx
Classification: Likely benign. Last evaluated: 2021-07-21. Review status: criteria provided, single submitter. Criteria: GeneDx Variant Classification Process June 2021. Collection method: clinical testing. Allele origin: germline. Affected: yes.

Baylor Genetics
Classification: Uncertain significance for Usher syndrome type 2A. Last evaluated: 2018-03-21. Review status: criteria provided, single submitter. Criteria: ACMG Guidelines, 2015. Collection method: clinical testing. Allele origin: maternal. Affected: yes.
Comment: This variant was determined to be of uncertain significance according to ACMG Guidelines, 2015 [PMID:25741868].

Laboratory for Molecular Medicine, Mass General Brigham Personalized Medicine
Classification: Likely benign. Last evaluated: 2015-12-05. Review status: criteria provided, single submitter. Criteria: LMM Criteria. Collection method: clinical testing. Allele origin: germline. Observed: 3 variant alleles.
Comment: 7301-6C>T in intron 38 of USH2A: This variant is not expected to have clinical significance because it is not predicted to impact the splice consensus sequence . This variant has been identified in 53/66482 European chromosomes by the Exome Aggregation Consortium (ExAC; dbSNP rs375499259 ).

Eurofins Ntd Llc (ga)
Classification: Uncertain significance. Last evaluated: 2015-05-26. Review status: criteria provided, single submitter. Criteria: EGL Classification Definitions 2015. Collection method: clinical testing. Allele origin: germline. Observed: 1 variant allele, 1 heterozygote.

Natera, Inc.
Classification: Uncertain significance for Usher syndrome type 2A. Last evaluated: 2020-01-17. Review status: no assertion criteria provided. Collection method: clinical testing. Allele origin: germline. Not counted in ClinVar's aggregate classification.

Clinical Genetics DNA and cytogenetics Diagnostics Lab, Erasmus MC, Erasmus Medical Center
Classification: Likely benign. Review status: no assertion criteria provided. Collection method: clinical testing. Allele origin: germline. Affected: yes. Study: VKGL Data-share Consensus. Not counted in ClinVar's aggregate classification.

Laboratory of Diagnostic Genome Analysis, Leiden University Medical Center (LUMC)
Classification: Likely benign. Review status: no assertion criteria provided. Collection method: clinical testing. Allele origin: germline. Affected: yes. Study: VKGL Data-share Consensus. Not counted in ClinVar's aggregate classification.

NM_206933.4(USH2A):c.7301-6C>T

Gene: USH2A (usherin; minus strand). Cytogenetic location: 1q41.
Variant type: single nucleotide variant.
Coding change: c.7301-6C>T on transcript NM_206933.4 (MANE Select); 6 bases into the intron before coding-DNA position 7301, C replaced by T.
Molecular consequence: intron variant.
Genome position (GRCh38, 1-based): chr1:215,900,911, G>A on the plus strand (C>T on the coding strand, the complement: USH2A is on the minus strand). VCF-style: chr1-215900911-G-A. GRCh37 (hg19) VCF-style: chr1-216074253-G-A.
Identifiers: ClinVar variation 48580 (VCV000048580.68), dbSNP rs375499259, ClinGen allele CA143591.
Genomic context (GRCh38, chr1:215,900,911, plus strand): 5'-TGAAGACTGGTTGGAGTGGCAGATGAAAGCCTGGGAGGCAGCACGCCATCTGGAGCTGTC[G>A]AAAAACACAGATGAATTAGAGCAGAGAAAACTGTGGAGAACATATGCTGGATGGAATCGA-3'